The following is an entry in ClinVar:

NM_018325.5(C9orf72):c.*1344C>T

Gene: C9orf72 (C9orf72-SMCR8 complex subunit; minus strand). Cytogenetic location: 9p21.2.
Variant type: single nucleotide variant.
Coding change: c.*1344C>T on transcript NM_018325.5 (MANE Select); 1344 bases downstream of the stop codon, C replaced by T.
Molecular consequence: 3 prime UTR variant.
Genome position (GRCh38, 1-based): chr9:27,546,892, G>A on the plus strand (C>T on the coding strand, the complement: C9orf72 is on the minus strand). VCF-style: chr9-27546892-G-A. GRCh37 (hg19) VCF-style: chr9-27546890-G-A.
Other names: c.*1344C>T (NM_001256054.3).
Identifiers: ClinVar variation 366486 (VCV000366486.6), dbSNP rs13691, ClinGen allele CA10633747.
Genomic context (GRCh38, chr9:27,546,892, plus strand): 5'-ATCTTTCTGATTCATGATGGGAAAGCTATTATGACCTTTCACATTCGAACATGTCATTTT[G>A]TTGTGTAAATTTGGTGGGTGGGGGGCAGAAGGGCTCTATTACCTTTATCCCTTTCTTATA-3'

ClinVar aggregate classification (germline): Benign. Review status: criteria provided, multiple submitters, no conflicts (2 of 4 stars). 2 submissions from 2 submitters: Benign (2). Last evaluated 2018-01-12.

Conditions:
Frontotemporal dementia and/or amyotrophic lateral sclerosis 1 (FTDALS1). Also called: Frontotemporal dementia with motor neuron disease 1; C9orf72 Frontotemporal Dementia and/or Amyotrophic Lateral Sclerosis. Identifiers: Orphanet 275872, MedGen C5779877, MONDO:0007105, OMIM 105550.

Allele frequency attached by ClinVar (database versions not stated): gnomAD 0.21385 and 0.22263; TOPMed 0.22718; 1000 Genomes Project 30x 0.26515; 1000 Genomes Project 0.27476; gnomAD exomes 0.33333.
gnomAD v4.1: 34,011 of 152,000 alleles (22%); highest among the groups gnomAD compares: East Asian, 48%; 4,677 homozygotes.

Submissions (2):

Illumina Laboratory Services, Illumina
Classification: Benign for Frontotemporal dementia and/or amyotrophic lateral sclerosis 1. Last evaluated: 2018-01-12. Review status: criteria provided, single submitter. Criteria: ICSL Variant Classification Criteria 13 December 2019. Collection method: clinical testing. Allele origin: germline.
Comment: This variant was observed in the ICSL laboratory as part of a predisposition screen in an ostensibly healthy population. It had not been previously curated by ICSL or reported in the Human Gene Mutation Database (HGMD: prior to June 1st, 2018), and was therefore a candidate for classification through an automated scoring system. Utilizing variant allele frequency, disease prevalence and penetrance estimates, and inheritance mode, an automated score was calculated to assess if this variant is too frequent to cause the disease. Based on the score and internal cut-off values, a variant classified as benign is not then subjected to further curation. The score for this variant resulted in a classification of benign for this disease.

Breakthrough Genomics
Classification: Benign. Review status: criteria provided, single submitter. Criteria: ACMG Guidelines, 2015. Collection method: not provided. Allele origin: germline. Inheritance: Autosomal dominant inheritance. Affected: yes.